The following is an entry in ClinVar:

ClinVar aggregate classification (germline): Uncertain significance. Review status: criteria provided, multiple submitters, no conflicts (2 of 4 stars). 3 submissions from 3 submitters: Uncertain significance (3). Last evaluated 2025-04-20.

Conditions:
Pyruvate carboxylase deficiency. Also called: LEIGH NECROTIZING ENCEPHALOPATHY DUE TO PYRUVATE CARBOXYLASE DEFICIENCY; LEIGH SYNDROME DUE TO PYRUVATE CARBOXYLASE DEFICIENCY; ATAXIA WITH LACTIC ACIDOSIS II; PC DEFICIENCY; Pyruvate Carboxylase Deficiency Disease. Identifiers: Orphanet 3008, MedGen C0034341, MONDO:0009949, OMIM 266150.
Inborn genetic diseases. Identifiers: MedGen C0950123, MeSH D030342.

Allele frequency attached by ClinVar (database versions not stated): gnomAD exomes below 0.00001; ExAC 0.00001; gnomAD 0.00001; TOPMed 0.00002; ESP Exome Variant Server 0.00008.
gnomAD v4.1: 3 of 1,613,188 alleles (0.00019%); highest among the groups gnomAD compares: Non-Finnish European, 0.00025%; no homozygotes.

Submissions (3):

Ambry Genetics
Classification: Uncertain significance for Inborn genetic diseases. Last evaluated: 2025-04-20. Review status: criteria provided, single submitter. Criteria: Ambry Variant Classification Scheme 2023. Collection method: clinical testing. Allele origin: germline.

Labcorp Genetics (formerly Invitae), Labcorp
Classification: Uncertain significance for Pyruvate carboxylase deficiency. Last evaluated: 2025-02-18. Review status: criteria provided, single submitter. Criteria: Invitae Variant Classification Sherloc (09022015). Collection method: clinical testing. Allele origin: germline.
Comment: This sequence change replaces glycine, which is neutral and non-polar, with valine, which is neutral and non-polar, at codon 361 of the PC protein (p.Gly361Val). This variant is not present in population databases (gnomAD no frequency). This variant has not been reported in the literature in individuals affected with PC-related conditions. ClinVar contains an entry for this variant (Variation ID: 1307304). Invitae Evidence Modeling of protein sequence and biophysical properties (such as structural, functional, and spatial information, amino acid conservation, physicochemical variation, residue mobility, and thermodynamic stability) has been performed for this missense variant. However, the output from this modeling did not meet the statistical confidence thresholds required to predict the impact of this variant on PC protein function. In summary, the available evidence is currently insufficient to determine the role of this variant in disease. Therefore, it has been classified as a Variant of Uncertain Significance.

GeneDx
Classification: Uncertain significance. Last evaluated: 2023-12-06. Review status: criteria provided, single submitter. Criteria: GeneDx Variant Classification Process June 2021. Collection method: clinical testing. Allele origin: germline. Affected: yes.
Comment: Not observed at significant frequency in large population cohorts (gnomAD); In silico analysis supports that this missense variant has a deleterious effect on protein structure/function; Has not been previously published as pathogenic or benign to our knowledge

NM_001040716.2(PC):c.1082G>T (p.Gly361Val)

Gene: PC (pyruvate carboxylase; minus strand). Cytogenetic location: 11q13.2.
Variant type: single nucleotide variant.
Coding change: c.1082G>T on transcript NM_001040716.2 (MANE Select); coding-DNA position 1082, G replaced by T.
Protein change: p.Gly361Val; replaces glycine 361 with valine.
Molecular consequence: missense variant.
Genome position (GRCh38, 1-based): chr11:66,866,290, C>A on the plus strand (G>T on the coding strand, the complement: PC is on the minus strand). VCF-style: chr11-66866290-C-A. GRCh37 (hg19) VCF-style: chr11-66633761-C-A.
Other names: c.1082G>T, p.Gly361Val (NM_000920.4, NM_022172.3); short protein forms G361V.
Identifiers: ClinVar variation 1307304 (VCV001307304.6), dbSNP rs377766602, ClinGen allele CA6131990.
Genomic context (GRCh38, chr11:66,866,290, plus strand): 5'-TCGGTGGTGACCCGGCACTGGATGGCACACCCGTTGATGCGGATGTTCTCCTGCCGCAGG[C>A]CCAGGTCGGGTAGGCTCCTGCCCTCAGCCACGTGGATCTGAGCATGGACCAGGTCTACGC-3'
Protein context (NP_001035806.1, residues 351-371): VAEGRSLPDL[Gly361Val]LRQENIRING